The following is an entry in ClinVar:

ClinVar aggregate classification (germline): Uncertain significance. Review status: criteria provided, multiple submitters, no conflicts (2 of 4 stars). 2 submissions from 2 submitters: Uncertain significance (2). Last evaluated 2023-04-01.

Conditions:
Myopathy due to calsequestrin and SERCA1 protein overload. Also called: Myopathy, vacuolar, with casq1 aggregates. Identifiers: Orphanet 88635, MedGen C4015624, MONDO:0014546, OMIM 616231.

gnomAD v4.1: 2 of 1,614,066 alleles (0.00012%); highest among the groups gnomAD compares: East Asian, 0.0022%; no homozygotes.

Submissions (2):

Revvity Omics, Revvity
Classification: Uncertain significance for Myopathy due to calsequestrin and SERCA1 protein overload. Last evaluated: 2023-04-01. Review status: criteria provided, single submitter. Criteria: ACMG Guidelines, 2015. Collection method: clinical testing. Allele origin: germline.

Labcorp Genetics (formerly Invitae), Labcorp
Classification: Uncertain significance. Last evaluated: 2021-12-27. Review status: criteria provided, single submitter. Criteria: Invitae Variant Classification Sherloc (09022015). Collection method: clinical testing. Allele origin: germline.
Comment: In summary, the available evidence is currently insufficient to determine the role of this variant in disease. Therefore, it has been classified as a Variant of Uncertain Significance. Algorithms developed to predict the effect of missense changes on protein structure and function (SIFT, PolyPhen-2, Align-GVGD) all suggest that this variant is likely to be disruptive. This variant has not been reported in the literature in individuals affected with CASQ1-related conditions. This variant is present in population databases (no rsID available, gnomAD 0.006%). This sequence change replaces proline, which is neutral and non-polar, with alanine, which is neutral and non-polar, at codon 239 of the CASQ1 protein (p.Pro239Ala).

NM_001231.5(CASQ1):c.715C>G (p.Pro239Ala)

Gene: CASQ1 (calsequestrin 1; plus strand). Cytogenetic location: 1q23.2.
Variant type: single nucleotide variant.
Coding change: c.715C>G on transcript NM_001231.5 (MANE Select); coding-DNA position 715, C replaced by G.
Protein change: p.Pro239Ala; replaces proline 239 with alanine.
Molecular consequence: missense variant.
Genome position (GRCh38, 1-based): chr1:160,195,960, C>G. VCF-style: chr1-160195960-C-G. GRCh37 (hg19) VCF-style: chr1-160165750-C-G.
Other names: short protein forms P239A.
Identifiers: ClinVar variation 2061962 (VCV002061962.6), dbSNP rs1011520558, ClinGen allele CA31498046.